The following is an entry in ClinVar:

ClinVar aggregate classification (germline): Likely pathogenic (1 of 4 stars; one submission).

Conditions:
RPL5-related disorder. Also called: RPL5-related condition.

Submission:

PreventionGenetics, part of Exact Sciences
Classification: Likely pathogenic for RPL5-related condition. Last evaluated: 2025-05-15. Review status: criteria provided, single submitter. Criteria: ACMG Guidelines, 2015. Collection method: clinical testing. Allele origin: germline.
Comment: The RPL5 c.3G>T variant is predicted to disrupt the translation initiation site (Start loss). This variant has been reported in an individual with Diamond-Blackfan anaemia (Patient 41 in Table 1, Konno et al. 2010. PubMed ID: 20378560). No other in-frame methionines occur downstream of this variant in exon 1, as the starting methionine residue is located at the end of exon 1. This variant has not been reported in a large population database (gnomAD), indicating this variant is rare. This variant is interpreted as likely pathogenic.

NM_000969.5(RPL5):c.3G>T (p.Met1Ile)

Gene: RPL5 (ribosomal protein L5; plus strand). Cytogenetic location: 1p22.1.
Variant type: single nucleotide variant.
Coding change: c.3G>T on transcript NM_000969.5 (MANE Select); coding-DNA position 3, G replaced by T.
Protein change: p.Met1Ile; changes the start codon (methionine 1).
Molecular consequence: missense variant, initiator codon variant. On other transcripts: non-coding transcript variant (1).
Genome position (GRCh38, 1-based): chr1:92,832,117, G>T. VCF-style: chr1-92832117-G-T. GRCh37 (hg19) VCF-style: chr1-93297674-G-T.
Other names: short protein forms M1I.
Identifiers: ClinVar variation 4997873 (VCV004997873.1).